The following is an entry in ClinVar:

NM_002474.3(MYH11):c.3017A>G (p.Glu1006Gly)

Gene: MYH11 (myosin heavy chain 11; minus strand). Cytogenetic location: 16p13.11.
Variant type: single nucleotide variant.
Coding change: c.3017A>G on transcript NM_002474.3 (MANE Select); coding-DNA position 3017, A replaced by G.
Protein change: p.Glu1006Gly; replaces glutamic acid 1006 with glycine.
Molecular consequence: missense variant.
Genome position (GRCh38, 1-based): chr16:15,738,669, T>C on the plus strand (A>G on the coding strand, the complement: MYH11 is on the minus strand). VCF-style: chr16-15738669-T-C. GRCh37 (hg19) VCF-style: chr16-15832526-T-C.
Other names: c.3038A>G, p.Glu1013Gly (NM_001040113.2, NM_001040114.2); c.3017A>G, p.Glu1006Gly (NM_022844.3); short protein forms E1006G, E1013G.
Identifiers: ClinVar variation 2834624 (VCV002834624.3), dbSNP rs368879422, ClinGen allele CA394864058.
Genomic context (GRCh38, chr16:15,738,669, plus strand): 5'-GTAAGATTCTTGGCCTTTTCTTCCTCTTCTGCAAGATTTGTCGTTAAGTCACTAATCCTC[T>C]CCTCAAGGAGTTTTCGTTCCTTTTTGGGGAAAGAGAAAGAGATAGCTTTAGGATTTTTCT-3'
Protein context (NP_002465.1, residues 996-1016): KLSKERKLLE[Glu1006Gly]RISDLTTNLA

ClinVar aggregate classification (germline): Uncertain significance (1 of 4 stars; one submission).

Conditions:
Aortic aneurysm, familial thoracic 4 (AAT4). Also called: AORTIC ANEURYSM/AORTIC DISSECTION AND PATENT DUCTUS ARTERIOSUS. Identifiers: MedGen C1851504, MONDO:0007568, OMIM 132900.

Submission:

Labcorp Genetics (formerly Invitae), Labcorp
Classification: Uncertain significance for Aortic aneurysm, familial thoracic 4. Last evaluated: 2023-02-04. Review status: criteria provided, single submitter. Criteria: Invitae Variant Classification Sherloc (09022015). Collection method: clinical testing. Allele origin: germline.
Comment: This sequence change replaces glutamic acid, which is acidic and polar, with glycine, which is neutral and non-polar, at codon 1013 of the MYH11 protein (p.Glu1013Gly). In summary, the available evidence is currently insufficient to determine the role of this variant in disease. Therefore, it has been classified as a Variant of Uncertain Significance. Advanced modeling of protein sequence and biophysical properties (such as structural, functional, and spatial information, amino acid conservation, physicochemical variation, residue mobility, and thermodynamic stability) performed at Invitae indicates that this missense variant is not expected to disrupt MYH11 protein function. This variant has not been reported in the literature in individuals affected with MYH11-related conditions. This variant is not present in population databases (gnomAD no frequency).